The following is an entry in ClinVar:

NM_016213.5(TRIP4):c.534C>G (p.His178Gln)

Gene: TRIP4 (thyroid hormone receptor interactor 4; plus strand). Cytogenetic location: 15q22.31.
Variant type: single nucleotide variant.
Coding change: c.534C>G on transcript NM_016213.5 (MANE Select); coding-DNA position 534, C replaced by G.
Protein change: p.His178Gln; replaces histidine 178 with glutamine.
Molecular consequence: missense variant. On other transcripts: 5 prime UTR variant (1), non-coding transcript variant (1).
Genome position (GRCh38, 1-based): chr15:64,397,734, C>G. VCF-style: chr15-64397734-C-G. GRCh37 (hg19) VCF-style: chr15-64689933-C-G.
Other names: c.-157C>G (NM_001321924.2); short protein forms H178Q.
Identifiers: ClinVar variation 1304442 (VCV001304442.2), dbSNP rs200177653, ClinGen allele CA7609394.
Genomic context (GRCh38, chr15:64,397,734, plus strand): 5'-GGACAGGCTTGCAGTCCTGCTCCCTGGTCGTCACCCTTGTGATTGCCTGGGCCAGAAGCA[C>G]AAGCTCATCAATAACTGTCTGATCTGTGGGCGCATTGTCTGTGAACAAGAAGGCTCAGGC-3'
Protein context (NP_057297.2, residues 168-188): RHPCDCLGQK[His178Gln]KLINNCLICG

ClinVar aggregate classification (germline): Uncertain significance (1 of 4 stars; one submission).

Allele frequency attached by ClinVar (database versions not stated): gnomAD exomes 0.00002; 1000 Genomes Project 0.00020; ESP Exome Variant Server 0.00023; 1000 Genomes Project 30x 0.00016; ExAC 0.00005.
gnomAD v4.1: 15 of 1,614,230 alleles (0.00093%); highest among the groups gnomAD compares: African/African-American, 0.016%; no homozygotes.

Submission:

GeneDx
Classification: Uncertain significance. Last evaluated: 2018-12-23. Review status: criteria provided, single submitter. Criteria: GeneDx Variant Classification Process June 2021. Collection method: clinical testing. Allele origin: germline. Affected: yes.
Comment: In silico analysis, which includes protein predictors and evolutionary conservation, supports a deleterious effect; Has not been previously published as pathogenic or benign to our knowledge; This variant is associated with the following publications: (PMID: 31794073)